The following is an entry in ClinVar:

NM_001143967.2(EFCAB8):c.525G>A (p.Leu175=)

Gene: EFCAB8 (EF-hand calcium binding domain 8; plus strand). Cytogenetic location: 20q11.21.
Variant type: single nucleotide variant.
Coding change: c.525G>A on transcript NM_001143967.2 (MANE Select); coding-DNA position 525, G replaced by A.
Protein change: p.Leu175=; no amino-acid change (leucine 175 retained).
Molecular consequence: synonymous variant.
Genome position (GRCh38, 1-based): chr20:32,885,598, G>A. VCF-style: chr20-32885598-G-A. GRCh37 (hg19) VCF-style: chr20-31473404-G-A.
Identifiers: ClinVar variation 2652258 (VCV002652258.24), dbSNP rs373987935, ClinGen allele CA9811282.

ClinVar aggregate classification (germline): Likely benign (1 of 4 stars; one submission).

Allele frequency attached by ClinVar (database versions not stated): 1000 Genomes Project 30x 0.00016; TOPMed 0.00073; gnomAD 0.00085; ExAC 0.00088; ESP Exome Variant Server 0.00088; gnomAD exomes 0.00137.
gnomAD v4.1: 2,039 of 1,551,826 alleles (0.13%); highest among the groups gnomAD compares: Non-Finnish European, 0.16%; 5 homozygotes.

Submission:

CeGaT Center for Human Genetics Tuebingen
Classification: Likely benign. Last evaluated: 2023-04-01. Review status: criteria provided, single submitter. Criteria: CeGaT Center For Human Genetics Tuebingen Variant Classification Criteria Version 2. Collection method: clinical testing. Allele origin: germline. Affected: yes. Observed: 1 variant allele.
Comment: EFCAB8: BP4, BP7, BS2